The following is an entry in ClinVar:

ClinVar aggregate classification (germline): Benign/Likely benign. Review status: criteria provided, multiple submitters, no conflicts (2 of 4 stars). 3 submissions from 3 submitters: Benign (1); Likely benign (2). Last evaluated 2026-04-27.

Conditions:
Colorectal cancer, susceptibility to, 1. Also called: COLORECTAL ADENOMA AND CANCER, SUSCEPTIBILITY TO; COLORECTAL CANCER, SUSCEPTIBILITY TO, ON CHROMOSOME 9. Identifiers: MedGen C1837315, MONDO:0012132, OMIM 608812.

Allele frequency attached by ClinVar (database versions not stated): gnomAD 0.00001; gnomAD exomes 0.00001; TOPMed 0.00001.
gnomAD v4.1: 4 of 1,608,540 alleles (0.00025%); highest among the groups gnomAD compares: East Asian, 0.0045%; no homozygotes.

Submissions (3):

Myriad Genetics, Inc.
Classification: Benign for Colorectal cancer, susceptibility to, 1. Last evaluated: 2026-04-27. Review status: criteria provided, single submitter. Criteria: Myriad Autosomal Dominant, Autosomal Recessive and X-Linked Classification Criteria (2023). Collection method: clinical testing. Allele origin: unknown.
Comment: This variant is considered benign. This variant is a silent/synonymous amino acid change and it is not expected to impact splicing.

Labcorp Genetics (formerly Invitae), Labcorp
Classification: Likely benign. Last evaluated: 2024-12-10. Review status: criteria provided, single submitter. Criteria: Invitae Variant Classification Sherloc (09022015). Collection method: clinical testing. Allele origin: germline.

Ambry Genetics
Classification: Likely benign. Last evaluated: 2019-05-28. Review status: criteria provided, single submitter. Criteria: Ambry Variant Classification Scheme 2023. Collection method: clinical testing. Allele origin: germline.

NM_024642.5(GALNT12):c.1443G>A (p.Gly481=)

Gene: GALNT12 (polypeptide N-acetylgalactosaminyltransferase 12; plus strand). Cytogenetic location: 9q22.33.
Variant type: single nucleotide variant.
Coding change: c.1443G>A on transcript NM_024642.5 (MANE Select); coding-DNA position 1443, G replaced by A.
Protein change: p.Gly481=; no amino-acid change (glycine 481 retained).
Molecular consequence: synonymous variant.
Genome position (GRCh38, 1-based): chr9:98,844,194, G>A. VCF-style: chr9-98844194-G-A. GRCh37 (hg19) VCF-style: chr9-101606476-G-A.
Identifiers: ClinVar variation 819232 (VCV000819232.7), dbSNP rs925008420, ClinGen allele CA466425227.